The following is an entry in ClinVar:

ClinVar aggregate classification (germline): Uncertain significance (1 of 4 stars; one submission).

gnomAD v4.1: 4 of 1,611,258 alleles (0.00025%); highest among the groups gnomAD compares: East Asian, 0.0045%; no homozygotes.

Submission:

Women's Health and Genetics/Laboratory Corporation of America, LabCorp
Classification: Uncertain significance. Last evaluated: 2024-10-14. Review status: criteria provided, single submitter. Criteria: LabCorp Variant Classification Summary - May 2015. Collection method: clinical testing. Allele origin: germline.
Comment: Variant summary: PRF1 c.139G>T (p.Gly47Cys) results in a non-conservative amino acid change located in the Membrane attack complex component/perforin (MACPF) domain (IPR020864) of the encoded protein sequence. Five of five in-silico tools predict a damaging effect of the variant on protein function. The variant was absent in 247110 control chromosomes. c.139G>T has been reported in the literature in compound heterozygous individuals affected with Familial Hemophagocytic Lymphohistiocytosis (Zhu_2024, Zhao_2024, Zou_2024). These data indicate that the variant may be associated with disease. To our knowledge, no experimental evidence demonstrating an impact on protein function has been reported. The following publications have been ascertained in the context of this evaluation (PMID: 37851074, 37113032, 38170476). No submitters have cited clinical-significance assessments for this variant to ClinVar. Based on the evidence outlined above, the variant was classified as VUS-possibly pathogenic.

Literature cited by the submitters: PubMed 37851074; PubMed 37113032; PubMed 38170476.

NM_001083116.3(PRF1):c.139G>T (p.Gly47Cys)

Gene: PRF1 (perforin 1; minus strand). Cytogenetic location: 10q22.1.
Variant type: single nucleotide variant.
Coding change: c.139G>T on transcript NM_001083116.3 (MANE Select); coding-DNA position 139, G replaced by T.
Protein change: p.Gly47Cys; replaces glycine 47 with cysteine.
Molecular consequence: missense variant.
Genome position (GRCh38, 1-based): chr10:70,600,764, C>A on the plus strand (G>T on the coding strand, the complement: PRF1 is on the minus strand). VCF-style: chr10-70600764-C-A. GRCh37 (hg19) VCF-style: chr10-72360520-C-A.
Other names: c.139G>T, p.Gly47Cys (NM_005041.6); short protein forms G47C.
Identifiers: ClinVar variation 3384710 (VCV003384710.1).
Genomic context (GRCh38, chr10:70,600,764, plus strand): 5'-GGAACCTTTGTGTGTCCACTGGGAAGGAGCCCGAGCGGCGGAGGCTGGTCACGTCCACAC[C>A]CTCCCCGGCCAGCCATGCACCAGGCACGAACTTGTGGCTGCGCTTGCACTCTGAGCGTGC-3'
Protein context (NP_001076585.1, residues 37-57): FVPGAWLAGE[Gly47Cys]VDVTSLRRSG